The following is an entry in ClinVar:

NM_002397.5(MEF2C):c.48C>A (p.Asn16Lys)

Gene: MEF2C (myocyte enhancer factor 2C; minus strand). Cytogenetic location: 5q14.3.
Variant type: single nucleotide variant.
Coding change: c.48C>A on transcript NM_002397.5 (MANE Select); coding-DNA position 48, C replaced by A.
Protein change: p.Asn16Lys; replaces asparagine 16 with lysine.
Molecular consequence: missense variant.
Genome position (GRCh38, 1-based): chr5:88,823,741, G>T on the plus strand (C>A on the coding strand, the complement: MEF2C is on the minus strand). VCF-style: chr5-88823741-G-T. GRCh37 (hg19) VCF-style: chr5-88119558-G-T.
Other names: c.48C>A, p.Asn16Lys (NM_001131005.2, NM_001364333.2, NM_001364334.2 and 29 more transcripts); short protein forms N16K.
Identifiers: ClinVar variation 4887845 (VCV004887845.1).

ClinVar aggregate classification (germline): Pathogenic (1 of 4 stars; one submission).

gnomAD v4.1: 1 of 1,606,310 alleles (0.000062%); highest among the groups gnomAD compares: Non-Finnish European, 0.000085%; no homozygotes.

Submission:

GeneDx
Classification: Pathogenic. Last evaluated: 2026-02-01. Review status: criteria provided, single submitter. Criteria: GeneDx Variant Classification Process June 2021. Collection method: clinical testing. Allele origin: germline.
Comment: Not observed at significant frequency in large population cohorts (gnomAD); In silico analysis supports that this missense variant has a deleterious effect on protein structure/function; Has not been previously published as pathogenic or benign to our knowledge; This variant is associated with the following publications: (PMID: 31512412, 30376817, 31105003)